The following is an entry in ClinVar:

NM_000093.5(COL5A1):c.5395G>A (p.Val1799Ile)

Genes: COL5A1 (collagen type V alpha 1 chain; plus strand), LOC101448202 (uncharacterized LOC101448202; minus strand). Cytogenetic location: 9q34.3.
Variant type: single nucleotide variant.
Coding change: c.5395G>A on transcript NM_000093.5 (MANE Select); coding-DNA position 5395, G replaced by A.
Protein change: p.Val1799Ile; replaces valine 1799 with isoleucine.
Molecular consequence: missense variant.
Genome position (GRCh38, 1-based): chr9:134,842,181, G>A. VCF-style: chr9-134842181-G-A. GRCh37 (hg19) VCF-style: chr9-137734027-G-A.
Other names: p.V1799I:GTT>ATT; c.5395G>A, p.Val1799Ile (NM_001278074.1); short protein forms V1799I.
Identifiers: ClinVar variation 213001 (VCV000213001.4), dbSNP rs863223463, ClinGen allele CA325265.

ClinVar aggregate classification (germline): Conflicting classifications of pathogenicity. Review status: criteria provided, conflicting classifications (1 of 4 stars). 3 submissions from 3 submitters: Uncertain significance (2); Likely benign (1). Last evaluated 2025-09-16.

Conditions:
Ehlers-Danlos syndrome, classic type, 1 (EDSCL1). Also called: Ehlers-Danlos Syndrome, Classic Type, COL5A1-Related; EHLERS-DANLOS SYNDROME, GRAVIS TYPE; EHLERS-DANLOS SYNDROME, SEVERE CLASSIC TYPE; Ehlers-Danlos syndrome, type 1; EDS I. Identifiers: MedGen C0268335, MONDO:0019567, OMIM 130000.
Familial thoracic aortic aneurysm and aortic dissection (TAAD). Also called: Thoracic aortic aneurysms and dissections. Identifiers: Orphanet 91387, MedGen C4707243, MONDO:0019625.

Allele frequency attached by ClinVar (database versions not stated): TOPMed 0.00001.

Submissions (3):

Ambry Genetics
Classification: Likely benign for Familial thoracic aortic aneurysm and aortic dissection. Last evaluated: 2025-09-16. Review status: criteria provided, single submitter. Criteria: Ambry Variant Classification Scheme 2023. Collection method: clinical testing. Allele origin: germline.

Labcorp Genetics (formerly Invitae), Labcorp
Classification: Uncertain significance for Ehlers-Danlos syndrome, classic type, 1. Last evaluated: 2025-05-15. Review status: criteria provided, single submitter. Criteria: Invitae Variant Classification Sherloc (09022015). Collection method: clinical testing. Allele origin: germline.
Comment: This sequence change replaces valine, which is neutral and non-polar, with isoleucine, which is neutral and non-polar, at codon 1799 of the COL5A1 protein (p.Val1799Ile). This variant is not present in population databases (gnomAD no frequency). This variant has not been reported in the literature in individuals affected with COL5A1-related conditions. ClinVar contains an entry for this variant (Variation ID: 213001). Invitae Evidence Modeling of protein sequence and biophysical properties (such as structural, functional, and spatial information, amino acid conservation, physicochemical variation, residue mobility, and thermodynamic stability) indicates that this missense variant is not expected to disrupt COL5A1 protein function with a negative predictive value of 95%. In summary, the available evidence is currently insufficient to determine the role of this variant in disease. Therefore, it has been classified as a Variant of Uncertain Significance.

GeneDx
Classification: Uncertain significance. Last evaluated: 2018-10-19. Review status: criteria provided, single submitter. Criteria: GeneDx Variant Classification (06012015). Collection method: clinical testing. Allele origin: germline. Affected: yes.
Comment: p.Val1799Ile (V1799I) GTT>ATT: c.5395 G>A in exon 66 of the COL5A1 gene (NM_000093.3) The V1799I variant has not been published as a mutation or reported as a benign polymorphism to our knowledge. The V1799I variant was not observed in approximately 6,500 individuals of European and African American ancestry in the NHLBI Exome Sequencing Project, indicating it is not a common benign variant in these populations. The V1799I variant is a conservative amino acid substitution, which is not likely to impact secondary protein structure as these residues share similar properties, and this substitution occurs at a position that is not conserved. Furthermore, the V1799I variant is located in the C-terminal propeptide, not in the triple helical region of the COL5A1 gene where the majority of missense mutations occur (Symoens S et al., 2012). In silico analysis is inconsistent in its predictions as to whether or not the variant is damaging to the protein structure/function. Moreover, no missense mutations in nearby residues have been reported in association with EDS, indicating this region of the protein may be tolerant of change.Therefore, based on the currently available information, it is unclear whether this variant is a pathogenic mutation or a rare benign variant.This variant was found in TAADV2-PANCARD